The following is an entry in ClinVar:

NM_001363711.2(DUOX2):c.2767G>A (p.Asp923Asn)

Gene: DUOX2 (dual oxidase 2; minus strand). Cytogenetic location: 15q21.1.
Variant type: single nucleotide variant.
Coding change: c.2767G>A on transcript NM_001363711.2 (MANE Select); coding-DNA position 2767, G replaced by A.
Protein change: p.Asp923Asn; replaces aspartic acid 923 with asparagine.
Molecular consequence: missense variant.
Genome position (GRCh38, 1-based): chr15:45,101,877, C>T on the plus strand (G>A on the coding strand, the complement: DUOX2 is on the minus strand). VCF-style: chr15-45101877-C-T. GRCh37 (hg19) VCF-style: chr15-45394075-C-T.
Other names: c.2767G>A, p.Asp923Asn (NM_014080.5); short protein forms D923N.
Identifiers: ClinVar variation 1520550 (VCV001520550.8), dbSNP rs2141146579, ClinGen allele CA392266946.

ClinVar aggregate classification (germline): Uncertain significance (1 of 4 stars; one submission).

Submission:

Labcorp Genetics (formerly Invitae), Labcorp
Classification: Uncertain significance. Last evaluated: 2021-03-27. Review status: criteria provided, single submitter. Criteria: Invitae Variant Classification Sherloc (09022015). Collection method: clinical testing. Allele origin: germline.
Comment: In summary, the available evidence is currently insufficient to determine the role of this variant in disease. Therefore, it has been classified as a Variant of Uncertain Significance. Advanced modeling of protein sequence and biophysical properties (such as structural, functional, and spatial information, amino acid conservation, physicochemical variation, residue mobility, and thermodynamic stability) performed at Invitae indicates that this missense variant is not expected to disrupt DUOX2 protein function. This variant has not been reported in the literature in individuals with DUOX2-related conditions. This variant is not present in population databases (ExAC no frequency). This sequence change replaces aspartic acid with asparagine at codon 923 of the DUOX2 protein (p.Asp923Asn). The aspartic acid residue is highly conserved and there is a small physicochemical difference between aspartic acid and asparagine.